The following is an entry in ClinVar:

NM_001267550.2(TTN):c.85472G>A (p.Arg28491His)

Genes: TTN (titin; minus strand), TTN-AS1 (TTN antisense RNA 1; plus strand). Cytogenetic location: 2q31.2.
Variant type: single nucleotide variant.
Coding change: c.85472G>A on transcript NM_001267550.2 (MANE Select); coding-DNA position 85472, G replaced by A.
Protein change: p.Arg28491His; replaces arginine 28491 with histidine.
Molecular consequence: missense variant.
Genome position (GRCh38, 1-based): chr2:178,560,660, C>T on the plus strand (G>A on the coding strand, the complement: TTN is on the minus strand). VCF-style: chr2-178560660-C-T. GRCh37 (hg19) VCF-style: chr2-179425387-C-T.
Other names: c.80549G>A, p.Arg26850His (NM_001256850.1); c.58277G>A, p.Arg19426His (NM_003319.4); c.77768G>A, p.Arg25923His (NM_133378.4); c.58652G>A, p.Arg19551His (NM_133432.3); c.58853G>A, p.Arg19618His (NM_133437.4); short protein forms R28491H, R26850H, R19426H, R19551H, R19618H, R25923H.
Identifiers: ClinVar variation 404857 (VCV000404857.20), dbSNP rs373129706, ClinGen allele CA1988633.

ClinVar aggregate classification (germline): Conflicting classifications of pathogenicity. Review status: criteria provided, conflicting classifications (1 of 4 stars). 7 submissions from 7 submitters: Uncertain significance (3); Likely benign (4). Last evaluated 2026-06-06.

Conditions:
TTN-related disorder. Also called: TTN-related disorders; TTN-related condition; TTN-related disease.
Autosomal recessive limb-girdle muscular dystrophy type 2J (LGMDR10). Also called: Limb-girdle muscular dystrophy, type 2J; MUSCULAR DYSTROPHY, LIMB-GIRDLE, AUTOSOMAL RECESSIVE 10. Identifiers: Orphanet 140922, MedGen C1837342, MONDO:0012127, OMIM 608807.
Dilated cardiomyopathy 1G (CMD1G). Identifiers: Orphanet 154, MedGen C1858763, MONDO:0011400, OMIM 604145.
Cardiovascular phenotype. Identifiers: MedGen CN230736.
Cardiomyopathy (CMYO). Also called: Cardiomyopathies. Identifiers: Orphanet 167848, MedGen C0878544, MONDO:0004994, HP:0001638. Inheritance: Various modes of inheritance.

Allele frequency attached by ClinVar (database versions not stated): gnomAD exomes 0.00006 and 0.00010; gnomAD 0.00007 and 0.00008; ESP Exome Variant Server 0.00008; TOPMed 0.00010; ExAC 0.00011.

Submissions (7):

PreventionGenetics, part of Exact Sciences
Classification: Uncertain significance for TTN-related condition. Last evaluated: 2026-06-06. Review status: criteria provided, single submitter. Criteria: ACMG Guidelines, 2015. Collection method: clinical testing. Allele origin: germline.
Comment: The TTN c.85472G>A variant is predicted to result in the amino acid substitution p.Arg28491His. To our knowledge, this variant has not been reported in the literature. This variant is reported in 0.12% of alleles in individuals of East Asian descent in gnomAD, which may be too frequent to be a primary cause of disease of autosomal dominant TTN-related disease. Although we suspect that this variant may be benign, at this time, the clinical significance of this variant is uncertain due to the absence of conclusive functional and genetic evidence.

Labcorp Genetics (formerly Invitae), Labcorp
Classification: Likely benign for Dilated cardiomyopathy 1G; Autosomal recessive limb-girdle muscular dystrophy type 2J. Last evaluated: 2026-01-14. Review status: criteria provided, single submitter. Criteria: Invitae Variant Classification Sherloc (09022015). Collection method: clinical testing. Allele origin: germline.

Molecular Diagnostic Laboratory for Inherited Cardiovascular Disease, Montreal Heart Institute
Classification: Likely benign. Last evaluated: 2025-04-09. Review status: criteria provided, single submitter. Criteria: ACMG Guidelines, 2015. Collection method: clinical testing. Allele origin: germline. Affected: no.

Revvity Omics, Revvity
Classification: Uncertain significance. Last evaluated: 2022-12-09. Review status: criteria provided, single submitter. Criteria: ACMG Guidelines, 2015. Collection method: clinical testing. Allele origin: germline.

CHEO Genetics Diagnostic Laboratory, Children's Hospital of Eastern Ontario
Classification: Likely benign for Cardiomyopathy. Last evaluated: 2021-11-15. Review status: criteria provided, single submitter. Criteria: ACMG Guidelines, 2015. Collection method: clinical testing. Allele origin: germline.

Ambry Genetics
Classification: Uncertain significance for Cardiovascular phenotype. Last evaluated: 2019-05-15. Review status: criteria provided, single submitter. Criteria: Ambry Variant Classification Scheme 2023. Collection method: clinical testing. Allele origin: germline.
Comment: The p.R19426H variant (also known as c.58277G>A), located in coding exon 153 of the TTN gene, results from a G to A substitution at nucleotide position 58277. The arginine at codon 19426 is replaced by histidine, an amino acid with highly similar properties. This amino acid position is highly conserved in available vertebrate species. In addition, the in silico prediction for this alteration is inconclusive. Since supporting evidence is limited at this time, the clinical significance of this alteration remains unclear.

GeneDx
Classification: Likely benign. Last evaluated: 2017-08-25. Review status: criteria provided, single submitter. Criteria: GeneDx Variant Classification (06012015). Collection method: clinical testing. Allele origin: germline. Affected: yes.
Comment: This variant is considered likely benign or benign based on one or more of the following criteria: it is a conservative change, it occurs at a poorly conserved position in the protein, it is predicted to be benign by multiple in silico algorithms, and/or has population frequency not consistent with disease.